The following is an entry in ClinVar:

ClinVar aggregate classification (germline): Uncertain significance. Review status: criteria provided, single submitter (1 of 4 stars). 2 submissions from 2 submitters: Uncertain significance (1). 1 of the submissions does not count toward it. Last evaluated 2023-03-22.

Conditions:
MAPT-related disorder. Also called: MAPT-related condition; MAPT-Related Disorders.

Allele frequency attached by ClinVar (database versions not stated): gnomAD 0.00001; gnomAD exomes 0.00001; ExAC 0.00003; 1000 Genomes Project 0.00020; 1000 Genomes Project 30x 0.00031.
gnomAD v4.1: 12 of 1,584,470 alleles (0.00076%); highest among the groups gnomAD compares: African/African-American, 0.0014%; no homozygotes.

Submissions (2):

GeneDx
Classification: Uncertain significance. Last evaluated: 2023-03-22. Review status: criteria provided, single submitter. Criteria: GeneDx Variant Classification Process June 2021. Collection method: clinical testing. Allele origin: germline. Affected: yes.
Comment: Not observed at significant frequency in large population cohorts (gnomAD); In silico analysis supports that this missense variant does not alter protein structure/function; Has not been previously published as pathogenic or benign to our knowledge; Reported using an alternate transcript of the gene

PreventionGenetics, part of Exact Sciences
Classification: Uncertain significance for MAPT-related condition. Last evaluated: 2024-08-30. Review status: no assertion criteria provided. Collection method: clinical testing. Allele origin: germline. Not counted in ClinVar's aggregate classification.
Comment: The MAPT c.1094G>A variant is predicted to result in the amino acid substitution p.Gly365Glu. To our knowledge, this variant has not been reported in the literature. This variant is reported in 0.0033% of alleles in individuals of European (Non-Finnish) descent in gnomAD. At this time, the clinical significance of this variant is uncertain due to the absence of conclusive functional and genetic evidence.

NM_001377265.1(MAPT):c.1319G>A (p.Gly440Glu)

Gene: MAPT (microtubule associated protein tau). Cytogenetic location: 17q21.31.
Variant type: single nucleotide variant.
Coding change: c.1319G>A on transcript NM_001377265.1 (MANE Select); coding-DNA position 1319, G replaced by A.
Protein change: p.Gly440Glu; replaces glycine 440 with glutamic acid.
Molecular consequence: missense variant. On other transcripts: intron variant (8).
Genome position (GRCh38, 1-based): chr17:45,983,898, G>A. VCF-style: chr17-45983898-G-A. GRCh37 (hg19) VCF-style: chr17-44061264-G-A.
Other names: c.1094G>A, p.Gly365Glu (NM_001123066.4, NM_016835.5); c.1319G>A, p.Gly440Glu (NM_001377266.1); c.200-3142G>A (NM_001377268.1, NM_016834.5, NM_016841.5); c.374-3142G>A (NM_005910.6, NM_001203252.2); c.287-3142G>A (NM_001123067.4, NM_001203251.2, NM_001377267.1); c.1094G>A (NM_001123066.3); short protein forms G365E, G440E.
Identifiers: ClinVar variation 2580427 (VCV002580427.3), dbSNP rs574922222, ClinGen allele CA8617836.